The following is an entry in ClinVar:

NM_005461.5(MAFB):c.189G>A (p.Pro63=)

Gene: MAFB (MAF bZIP transcription factor B; minus strand). Cytogenetic location: 20q12.
Variant type: single nucleotide variant.
Coding change: c.189G>A on transcript NM_005461.5 (MANE Select); coding-DNA position 189, G replaced by A.
Protein change: p.Pro63=; no amino-acid change (proline 63 retained).
Molecular consequence: synonymous variant.
Genome position (GRCh38, 1-based): chr20:40,688,662, C>T on the plus strand (G>A on the coding strand, the complement: MAFB is on the minus strand). VCF-style: chr20-40688662-C-T. GRCh37 (hg19) VCF-style: chr20-39317302-C-T.
Identifiers: ClinVar variation 338412 (VCV000338412.15), dbSNP rs201590858, ClinGen allele CA9857826.

ClinVar aggregate classification (germline): Conflicting classifications of pathogenicity. Review status: criteria provided, conflicting classifications (1 of 4 stars). 4 submissions from 4 submitters: Uncertain significance (1); Likely benign (2). 1 of the submissions does not count toward it. Last evaluated 2024-12-09.

Conditions:
Multicentric carpo-tarsal osteolysis with or without nephropathy. Also called: MULTICENTRIC OSTEOLYSIS, AUTOSOMAL DOMINANT; Multicentric Osteolysis of Carpal Bones and Nephropathy; OSTEOLYSIS, HEREDITARY, OF CARPAL BONES WITH OR WITHOUT NEPHROPATHY; MULTICENTRIC CARPOTARSAL OSTEOLYSIS SYNDROME; Multicentric Carpotarsal Osteolysis with or without Nephropathy; Carnevale Canun Mendoza syndrome. Identifiers: Orphanet 2774, MedGen C2674705, MONDO:0008152, OMIM 166300.
MAFB-related disorder. Also called: MAFB-related condition.

Allele frequency attached by ClinVar (database versions not stated): ExAC 0.00004; gnomAD exomes 0.00004 and 0.00006; ESP Exome Variant Server 0.00008; gnomAD 0.00011; TOPMed 0.00012.

Submissions (4):

Women's Health and Genetics/Laboratory Corporation of America, LabCorp
Classification: Likely benign. Last evaluated: 2024-12-09. Review status: criteria provided, single submitter. Criteria: LabCorp Variant Classification Summary - May 2015. Collection method: clinical testing. Allele origin: germline.

Labcorp Genetics (formerly Invitae), Labcorp
Classification: Likely benign. Last evaluated: 2024-11-02. Review status: criteria provided, single submitter. Criteria: Invitae Variant Classification Sherloc (09022015). Collection method: clinical testing. Allele origin: germline.

Illumina Laboratory Services, Illumina
Classification: Uncertain significance for Multicentric carpo-tarsal osteolysis with or without nephropathy. Last evaluated: 2018-01-13. Review status: criteria provided, single submitter. Criteria: ICSL Variant Classification Criteria 13 December 2019. Collection method: clinical testing. Allele origin: germline.

PreventionGenetics, part of Exact Sciences
Classification: Likely benign for MAFB-related condition. Last evaluated: 2021-05-19. Review status: no assertion criteria provided. Collection method: clinical testing. Allele origin: germline. Not counted in ClinVar's aggregate classification.
Comment: This variant is classified as likely benign based on ACMG/AMP sequence variant interpretation guidelines (Richards et al. 2015 PMID: 25741868, with internal and published modifications).